The following is an entry in ClinVar:

ClinVar aggregate classification (germline): Uncertain significance (1 of 4 stars; one submission).

Conditions:
Myofibrillar myopathy 5. Also called: FILAMINOPATHY, AUTOSOMAL DOMINANT; Filaminopathy (type). Identifiers: Orphanet 171445, MedGen C1836050, MONDO:0012289, OMIM 609524.
Distal myopathy with posterior leg and anterior hand involvement. Also called: WILLIAMS DISTAL MYOPATHY. Identifiers: Orphanet 63273, MedGen C3279722, MONDO:0013550, OMIM 614065.
Hypertrophic cardiomyopathy 26. Also called: Cardiomyopathy, familial hypertrophic, 26. Identifiers: Orphanet 75249, MedGen C4310749, MONDO:0014883, OMIM 617047.

Allele frequency attached by ClinVar (database versions not stated): gnomAD exomes below 0.00001.
gnomAD v4.1: 3 of 1,614,030 alleles (0.00019%); highest among the groups gnomAD compares: East Asian, 0.0045%; no homozygotes.

Submission:

Labcorp Genetics (formerly Invitae), Labcorp
Classification: Uncertain significance for Distal myopathy with posterior leg and anterior hand involvement; Myofibrillar myopathy 5; Hypertrophic cardiomyopathy 26. Last evaluated: 2024-11-17. Review status: criteria provided, single submitter. Criteria: Invitae Variant Classification Sherloc (09022015). Collection method: clinical testing. Allele origin: germline.
Comment: This sequence change replaces threonine, which is neutral and polar, with isoleucine, which is neutral and non-polar, at codon 2564 of the FLNC protein (p.Thr2564Ile). This variant is present in population databases (no rsID available, gnomAD 0.006%). This variant has not been reported in the literature in individuals affected with FLNC-related conditions. ClinVar contains an entry for this variant (Variation ID: 951944). Invitae Evidence Modeling of protein sequence and biophysical properties (such as structural, functional, and spatial information, amino acid conservation, physicochemical variation, residue mobility, and thermodynamic stability) indicates that this missense variant is not expected to disrupt FLNC protein function with a negative predictive value of 95%. In summary, the available evidence is currently insufficient to determine the role of this variant in disease. Therefore, it has been classified as a Variant of Uncertain Significance.

NM_001458.5(FLNC):c.7691C>T (p.Thr2564Ile)

Genes: FLNC (filamin C; plus strand), FLNC-AS1 (FLNC antisense RNA 1; minus strand). Cytogenetic location: 7q32.1.
Variant type: single nucleotide variant.
Coding change: c.7691C>T on transcript NM_001458.5 (MANE Select); coding-DNA position 7691, C replaced by T.
Protein change: p.Thr2564Ile; replaces threonine 2564 with isoleucine.
Molecular consequence: missense variant.
Genome position (GRCh38, 1-based): chr7:128,857,247, C>T. VCF-style: chr7-128857247-C-T. GRCh37 (hg19) VCF-style: chr7-128497301-C-T.
Other names: c.7592C>T, p.Thr2531Ile (NM_001127487.2); short protein forms T2531I, T2564I.
Identifiers: ClinVar variation 951944 (VCV000951944.9), dbSNP rs1405868407, ClinGen allele CA369219698.